The following is an entry in ClinVar:

NM_030962.4(SBF2):c.2882A>G (p.Gln961Arg)

Genes: SBF2 (SET binding factor 2; minus strand), LOC101928008 (uncharacterized LOC101928008; plus strand). Cytogenetic location: 11p15.4.
Variant type: single nucleotide variant.
Coding change: c.2882A>G on transcript NM_030962.4 (MANE Select); coding-DNA position 2882, A replaced by G.
Protein change: p.Gln961Arg; replaces glutamine 961 with arginine.
Molecular consequence: missense variant.
Genome position (GRCh38, 1-based): chr11:9,847,008, T>C on the plus strand (A>G on the coding strand, the complement: SBF2 is on the minus strand). VCF-style: chr11-9847008-T-C. GRCh37 (hg19) VCF-style: chr11-9868555-T-C.
Other names: c.2882A>G, p.Gln961Arg (NM_001386339.1); c.2753A>G, p.Gln918Arg (NM_001386342.1); short protein forms Q918R, Q961R.
Identifiers: ClinVar variation 1062059 (VCV001062059.9), dbSNP rs776603587, ClinGen allele CA5881424.

ClinVar aggregate classification (germline): Uncertain significance (1 of 4 stars; one submission).

Conditions:
Charcot-Marie-Tooth disease type 4. Also called: Charcot-Marie-Tooth disease, type IV; Charcot-Marie-Tooth, Type 4. Identifiers: Orphanet 64749, MedGen C4082197, MONDO:0018995.

Allele frequency attached by ClinVar (database versions not stated): gnomAD exomes below 0.00001 and 0.00001; ExAC 0.00001.
gnomAD v4.1: 4 of 1,613,870 alleles (0.00025%); highest among the groups gnomAD compares: African/African-American, 0.0013%; no homozygotes.

Submission:

Labcorp Genetics (formerly Invitae), Labcorp
Classification: Uncertain significance for Charcot-Marie-Tooth disease type 4. Last evaluated: 2020-03-20. Review status: criteria provided, single submitter. Criteria: Invitae Variant Classification Sherloc (09022015). Collection method: clinical testing. Allele origin: germline.
Comment: This sequence change replaces glutamine with arginine at codon 961 of the SBF2 protein (p.Gln961Arg). The glutamine residue is moderately conserved and there is a small physicochemical difference between glutamine and arginine. This variant is present in population databases (rs776603587, ExAC 0.009%). This variant has not been reported in the literature in individuals with SBF2-related conditions. Algorithms developed to predict the effect of missense changes on protein structure and function (SIFT, PolyPhen-2, Align-GVGD) all suggest that this variant is likely to be tolerated, but these predictions have not been confirmed by published functional studies and their clinical significance is uncertain. In summary, the available evidence is currently insufficient to determine the role of this variant in disease. Therefore, it has been classified as a Variant of Uncertain Significance.